The following is an entry in ClinVar:

NM_000282.4(PCCA):c.300+2T>G

Gene: PCCA (propionyl-CoA carboxylase subunit alpha; plus strand). Cytogenetic location: 13q32.3.
Variant type: single nucleotide variant.
Coding change: c.300+2T>G on transcript NM_000282.4 (MANE Select); the canonical splice donor site of the intron after coding-DNA position 300, T replaced by G.
Molecular consequence: splice donor variant.
Genome position (GRCh38, 1-based): chr13:100,112,063, T>G. VCF-style: chr13-100112063-T-G. GRCh37 (hg19) VCF-style: chr13-100764317-T-G.
Other names: c.300+2T>G (NM_001178004.2, NM_001352605.2, NM_001352606.2 and 1 more transcripts); c.-567+2T>G (NM_001352610.2, NM_001352611.2, NM_001352612.2); c.222+2T>G (NM_001127692.3, NM_001352607.2, NM_001352608.2).
Identifiers: ClinVar variation 2117221 (VCV002117221.4), dbSNP rs2542289602, ClinGen allele CA388693242.

ClinVar aggregate classification (germline): Likely pathogenic (1 of 4 stars; one submission).

Conditions:
Propionic acidemia (PROP). Also called: GLYCINEMIA, KETOTIC; HYPERGLYCINEMIA WITH KETOACIDOSIS AND LEUKOPENIA; KETOTIC HYPERGLYCINEMIA. Identifiers: Orphanet 35, MedGen C0268579, MONDO:0011628, OMIM 606054, HP:0003571.

Submission:

Labcorp Genetics (formerly Invitae), Labcorp
Classification: Likely pathogenic for Propionic acidemia. Last evaluated: 2022-03-26. Review status: criteria provided, single submitter. Criteria: Invitae Variant Classification Sherloc (09022015). Collection method: clinical testing. Allele origin: germline.
Comment: In summary, the currently available evidence indicates that the variant is pathogenic, but additional data are needed to prove that conclusively. Therefore, this variant has been classified as Likely Pathogenic. Algorithms developed to predict the effect of sequence changes on RNA splicing suggest that this variant may disrupt the consensus splice site. This variant has not been reported in the literature in individuals affected with PCCA-related conditions. This variant is not present in population databases (gnomAD no frequency). This sequence change affects a donor splice site in intron 4 of the PCCA gene. It is expected to disrupt RNA splicing. Variants that disrupt the donor or acceptor splice site typically lead to a loss of protein function (PMID: 16199547), and loss-of-function variants in PCCA are known to be pathogenic (PMID: 15464417).

Literature cited by the submitters: PubMed 16199547; PubMed 15464417.